The following is an entry in ClinVar:

NM_000318.3(PEX2):c.*1141G>A

Gene: PEX2 (peroxisomal biogenesis factor 2; minus strand). Cytogenetic location: 8q21.13.
Variant type: single nucleotide variant.
Coding change: c.*1141G>A on transcript NM_000318.3 (MANE Select); 1141 bases downstream of the stop codon, G replaced by A.
Molecular consequence: 3 prime UTR variant.
Genome position (GRCh38, 1-based): chr8:76,982,120, C>T on the plus strand (G>A on the coding strand, the complement: PEX2 is on the minus strand). VCF-style: chr8-76982120-C-T. GRCh37 (hg19) VCF-style: chr8-77894356-C-T.
Other names: c.*1141G>A (NM_001079867.2, NM_001172086.2, NM_001172087.2).
Identifiers: ClinVar variation 363799 (VCV000363799.5), dbSNP rs10108054, ClinGen allele CA10625846.

ClinVar aggregate classification (germline): Benign (1 of 4 stars; one submission).

Conditions:
Peroxisome biogenesis disorder 5A (Zellweger) (PBD5A). Identifiers: Orphanet 912, MedGen C3553940, MONDO:0013932, OMIM 614866.

Allele frequency attached by ClinVar (database versions not stated): gnomAD 0.03460 and 0.03721; 1000 Genomes Project 0.03914; TOPMed 0.03939; 1000 Genomes Project 30x 0.04216.

Submission:

Illumina Laboratory Services, Illumina
Classification: Benign for Peroxisome biogenesis disorder 5A (Zellweger). Last evaluated: 2018-01-13. Review status: criteria provided, single submitter. Criteria: ICSL Variant Classification Criteria 13 December 2019. Collection method: clinical testing. Allele origin: germline.
Comment: This variant was observed in the ICSL laboratory as part of a predisposition screen in an ostensibly healthy population. It had not been previously curated by ICSL or reported in the Human Gene Mutation Database (HGMD: prior to June 1st, 2018), and was therefore a candidate for classification through an automated scoring system. Utilizing variant allele frequency, disease prevalence and penetrance estimates, and inheritance mode, an automated score was calculated to assess if this variant is too frequent to cause the disease. Based on the score and internal cut-off values, a variant classified as benign is not then subjected to further curation. The score for this variant resulted in a classification of benign for this disease.